The following is an entry in ClinVar:

NM_000551.4(VHL):c.444del (p.Phe148fs)

Genes: VHL (von Hippel-Lindau tumor suppressor; plus strand), LOC107303340 (3p25 von Hippel-Lindau tumor suppressor, E3 ubiquitin protein ligase Alu-mediated recombination region; plus strand). Cytogenetic location: 3p25.3.
Variant type: Deletion.
Coding change: c.444del on transcript NM_000551.4 (MANE Select); coding-DNA position 444, one base deleted (T; older notation c.444delT).
Protein change: p.Phe148fs; shifts the reading frame from phenylalanine 148.
Molecular consequence: frameshift variant. On other transcripts: intron variant (2).
Genome position (GRCh38, 1-based): chr3:10,146,617, T deleted; the last of 5 consecutive T bases (chr3:10,146,613-10,146,617); deleting any one gives the same sequence. VCF-style (leftmost placement, unchanged base first): chr3-10146612-AT-A. GRCh37 (hg19) VCF-style: chr3-10188296-AT-A.
Other names: c.*18-3170del (NM_001354723.2); c.341-3170del (NM_198156.3); c.444delT (NM_000551.3); short protein forms F148fs.
Identifiers: ClinVar variation 223212 (VCV000223212.12), dbSNP rs869025653, ClinGen allele CA357018.

ClinVar aggregate classification (germline): Pathogenic. Review status: criteria provided, multiple submitters, no conflicts (2 of 4 stars). 4 submissions from 4 submitters: Pathogenic (3). 1 of the submissions does not count toward it. Last evaluated 2026-05-27.

Conditions:
Hereditary cancer-predisposing syndrome. Also called: Neoplastic Syndromes, Hereditary; Hereditary Cancer Syndrome; Tumor predisposition; Hereditary neoplastic syndrome. Identifiers: Orphanet 140162, MedGen C0027672, MeSH D009386, MONDO:0015356.
Von Hippel-Lindau syndrome (VHLS). Also called: Von Hippel-Lindau; von Hippel–Lindau syndrome; VHL syndrome. Identifiers: Orphanet 892, MedGen C0019562, MONDO:0008667, OMIM 193300. Disease mechanism: loss of function.
Chuvash polycythemia. Also called: POLYCYTHEMIA, VHL-DEPENDENT. Identifiers: Orphanet 238557, MedGen C1837915, MONDO:0009892, OMIM 263400.

Submissions (4):

Ambry Genetics
Classification: Pathogenic for Hereditary cancer-predisposing syndrome. Last evaluated: 2026-05-27. Review status: criteria provided, single submitter. Criteria: Ambry Variant Classification Scheme 2023. Collection method: clinical testing. Allele origin: germline.
Comment: The c.444delT pathogenic mutation, located in coding exon 2 of the VHL gene, results from a deletion of one nucleotide at nucleotide position 444, causing a translational frameshift with a predicted alternate stop codon (p.F148Lfs*11). This variant occurs at the 3' terminus of the gene, is not expected to trigger nonsense-mediated mRNA decay, and impacts the last 30.8% of the protein. However, premature stop codons are typically deleterious in nature and a significant portion of the protein is affected (Ambry internal data). This variant was reported in individual(s) with features consistent with von Hippel-Lindau syndrome (Decker HJ et al. Hum Genet, 1996 Jun;97:770-6; Ambry internal data). This variant is considered to be rare based on population cohorts in the Genome Aggregation Database (gnomAD). Based on the supporting evidence, this variant is interpreted as a disease-causing mutation.

Myriad Genetics, Inc.
Classification: Pathogenic for Von Hippel-Lindau syndrome. Last evaluated: 2023-10-09. Review status: criteria provided, single submitter. Criteria: Myriad Autosomal Dominant, Autosomal Recessive and X-Linked Classification Criteria (2023). Collection method: clinical testing. Allele origin: unknown.
Comment: This variant is considered pathogenic. This variant creates a frameshift predicted to result in premature protein truncation.

Labcorp Genetics (formerly Invitae), Labcorp
Classification: Pathogenic for Von Hippel-Lindau syndrome; Chuvash polycythemia. Last evaluated: 2020-06-29. Review status: criteria provided, single submitter. Criteria: Invitae Variant Classification Sherloc (09022015). Collection method: clinical testing. Allele origin: germline.
Comment: For these reasons, this variant has been classified as Pathogenic. This variant disrupts the C-terminus of the VHL protein. Other variant(s) that disrupt this region (p.Ser183*) have been determined to be pathogenic (PMID: 8707293, 10567493, 11309459). This suggests that variants that disrupt this region of the protein are likely to be causative of disease. This variant has been reported in individual(s) with clinical features of von Hippel-Lindau syndrome (PMID: 8641695). In at least one individual the variant was observed to be de novo. ClinVar contains an entry for this variant (Variation ID: 223212). This variant is not present in population databases (ExAC no frequency). This sequence change results in a premature translational stop signal in the VHL gene (p.Phe148Leufs*11). While this is not anticipated to result in nonsense mediated decay, it is expected to disrupt the last 66 amino acids of the VHL protein.

Genomic Diagnostic Laboratory, Division of Genomic Diagnostics, Children's Hospital of Philadelphia
Classification: Pathogenic for Von Hippel-Lindau syndrome. Last evaluated: 2016-02-26. Review status: no assertion criteria provided. Collection method: clinical testing. Allele origin: germline. Affected: yes. Observed: 2 variant alleles. Not counted in ClinVar's aggregate classification.

Literature cited by the submitters: PubMed 8641695 (cited by Ambry Genetics and Labcorp Genetics (formerly Invitae), Labcorp); PubMed 8707293 (cited by Labcorp Genetics (formerly Invitae), Labcorp); PubMed 10567493 (cited by Labcorp Genetics (formerly Invitae), Labcorp); PubMed 11309459 (cited by Labcorp Genetics (formerly Invitae), Labcorp).